The following is an entry in ClinVar:

NM_024426.6(WT1):c.1125dup (p.Val376fs)

Gene: WT1 (WT1 transcription factor; minus strand). Cytogenetic location: 11p13.
Variant type: Duplication.
Coding change: c.1125dup on transcript NM_024426.6 (MANE Select); coding-DNA position 1125, one base duplicated (T; older notation c.1125dupT).
Protein change: p.Val376fs; shifts the reading frame from valine 376.
Molecular consequence: frameshift variant. On other transcripts: 5 prime UTR variant (1), non-coding transcript variant (2).
Genome position (GRCh38, 1-based): chr11:32,396,396, A duplicated on the plus strand (T on the coding strand, the reverse complement: WT1 is on the minus strand). VCF-style (leftmost placement, unchanged base first): chr11-32396395-C-CA. GRCh37 (hg19) VCF-style: chr11-32417941-C-CA.
Other names: c.1074dup, p.Val359fs (NM_000378.6, NM_001407045.1, NM_001407048.1 and 1 more transcripts); c.474dup, p.Val159fs (NM_001198551.2); c.423dup, p.Val142fs (NM_001198552.2); c.-64dup (NM_001367854.1); c.1119dup, p.Val374fs (NM_001407044.1); c.1125dup, p.Val376fs (NM_001407046.1, NM_024424.5); c.1002dup, p.Val335fs (NM_001407047.1); c.951dup, p.Val318fs (NM_001407050.1); and 3 more; short protein forms V122fs, V142fs, V159fs, V286fs, V303fs, V318fs, V335fs, V359fs.
Identifiers: ClinVar variation 4857435 (VCV004857435.1).

ClinVar aggregate classification (germline): Pathogenic (1 of 4 stars; one submission).

Conditions:
Wilms tumor 1 (WT1). Also called: Wilms tumor, somatic. Identifiers: Orphanet 654, MedGen CN033288, MONDO:0008679, OMIM 194070.

Submission:

Institute of Human Genetics, University of Leipzig Medical Center
Classification: Pathogenic for Wilms tumor 1. Last evaluated: 2026-05-05. Review status: criteria provided, single submitter. Criteria: ACMG Guidelines, 2015. Collection method: clinical testing. Allele origin: unknown. Inheritance: Autosomal dominant inheritance. Affected: yes.
Comment: Criteria applied: PVS1,PM2